The following is an entry in ClinVar:

NM_002471.4(MYH6):c.5077G>T (p.Val1693Leu)

Genes: MYH6 (myosin heavy chain 6; minus strand), LOC126861896 (BRD4-independent group 4 enhancer GRCh37_chr14:23854904-23856103; plus strand). Cytogenetic location: 14q11.2.
Variant type: single nucleotide variant.
Coding change: c.5077G>T on transcript NM_002471.4 (MANE Select); coding-DNA position 5077, G replaced by T.
Protein change: p.Val1693Leu; replaces valine 1693 with leucine.
Molecular consequence: missense variant.
Genome position (GRCh38, 1-based): chr14:23,386,014, C>A on the plus strand (G>T on the coding strand, the complement: MYH6 is on the minus strand). VCF-style: chr14-23386014-C-A. GRCh37 (hg19) VCF-style: chr14-23855223-C-A.
Other names: short protein forms V1693L.
Identifiers: ClinVar variation 3345545 (VCV003345545.1).

ClinVar aggregate classification (germline): Uncertain significance (0 of 4 stars; one submission).

Conditions:
MYH6-related disorder. Also called: MYH6-Related Disorders; MYH6-related condition.

Submission:

PreventionGenetics, part of Exact Sciences
Classification: Uncertain significance for MYH6-related condition. Last evaluated: 2024-07-23. Review status: no assertion criteria provided. Collection method: clinical testing. Allele origin: germline.
Comment: The MYH6 c.5077G>T variant is predicted to result in the amino acid substitution p.Val1693Leu. To our knowledge, this variant has not been reported in the literature or in a large population database, indicating this variant is rare. At this time, the clinical significance of this variant is uncertain due to the absence of conclusive functional and genetic evidence.